The following is an entry in ClinVar:

ClinVar aggregate classification (germline): Uncertain significance (1 of 4 stars; one submission).

Submission:

GeneDx
Classification: Uncertain significance. Last evaluated: 2025-04-10. Review status: criteria provided, single submitter. Criteria: GeneDx Variant Classification Process June 2021. Collection method: clinical testing. Allele origin: germline. Affected: yes.
Comment: Not observed at significant frequency in large population cohorts (gnomAD); In silico analysis supports that this missense variant has a deleterious effect on protein structure/function; Has not been previously published as pathogenic or benign to our knowledge

NM_001365480.1(CCDC88A):c.1088T>C (p.Leu363Ser)

Gene: CCDC88A (coiled-coil and HOOK domain protein 88A; minus strand). Cytogenetic location: 2p16.1.
Variant type: single nucleotide variant.
Coding change: c.1088T>C on transcript NM_001365480.1 (MANE Select); coding-DNA position 1088, T replaced by C.
Protein change: p.Leu363Ser; replaces leucine 363 with serine.
Molecular consequence: missense variant.
Genome position (GRCh38, 1-based): chr2:55,344,468, A>G on the plus strand (T>C on the coding strand, the complement: CCDC88A is on the minus strand). VCF-style: chr2-55344468-A-G. GRCh37 (hg19) VCF-style: chr2-55571604-A-G.
Other names: c.1088T>C, p.Leu363Ser (NM_001135597.2, NM_001254943.2, NM_018084.5); short protein forms L363S.
Identifiers: ClinVar variation 4282043 (VCV004282043.1).